The following is an entry in ClinVar:

NM_001015880.2(PAPSS2):c.547G>A (p.Glu183Lys)

Gene: PAPSS2 (3'-phosphoadenosine 5'-phosphosulfate synthase 2; plus strand). Cytogenetic location: 10q23.31.
Variant type: single nucleotide variant.
Coding change: c.547G>A on transcript NM_001015880.2 (MANE Select); coding-DNA position 547, G replaced by A.
Protein change: p.Glu183Lys; replaces glutamic acid 183 with lysine.
Molecular consequence: missense variant.
Genome position (GRCh38, 1-based): chr10:87,714,771, G>A. VCF-style: chr10-87714771-G-A. GRCh37 (hg19) VCF-style: chr10-89474528-G-A.
Other names: c.547G>A, p.Glu183Lys (NM_004670.4); short protein forms E183K.
Identifiers: ClinVar variation 578450 (VCV000578450.8), dbSNP rs774709274, ClinGen allele CA5589488.

ClinVar aggregate classification (germline): Uncertain significance (1 of 4 stars; one submission).

Conditions:
Spondyloepimetaphyseal dysplasia, PAPSS2 type. Also called: BRACHYOLMIA TYPE 4 WITH MILD EPIPHYSEAL AND METAPHYSEAL CHANGES; SPONDYLODYSPLASIA AND PREMATURE PUBARCHE; SEMD, PAKISTANI TYPE. Identifiers: Orphanet 93282, MedGen C2748516, MONDO:0019666, OMIM 612847.

Allele frequency attached by ClinVar (database versions not stated): gnomAD exomes below 0.00001; ExAC 0.00002.
gnomAD v4.1: 13 of 1,610,060 alleles (0.00081%); highest among the groups gnomAD compares: Admixed American, 0.0017%; no homozygotes.

Submission:

Labcorp Genetics (formerly Invitae), Labcorp
Classification: Uncertain significance for Spondyloepimetaphyseal dysplasia, PAPSS2 type. Last evaluated: 2022-02-24. Review status: criteria provided, single submitter. Criteria: Invitae Variant Classification Sherloc (09022015). Collection method: clinical testing. Allele origin: germline.
Comment: ClinVar contains an entry for this variant (Variation ID: 578450). In summary, the available evidence is currently insufficient to determine the role of this variant in disease. Therefore, it has been classified as a Variant of Uncertain Significance. Experimental studies have shown that this missense change does not substantially affect PAPSS2 function (PMID: 23824674). Algorithms developed to predict the effect of missense changes on protein structure and function are either unavailable or do not agree on the potential impact of this missense change (SIFT: "Deleterious"; PolyPhen-2: "Benign"; Align-GVGD: "Class C0"). This missense change has been observed in individual(s) with brachyolmia (PMID: 23824674). The frequency data for this variant in the population databases is considered unreliable, as metrics indicate poor data quality at this position in the gnomAD database. This sequence change replaces glutamic acid, which is acidic and polar, with lysine, which is basic and polar, at codon 183 of the PAPSS2 protein (p.Glu183Lys).

Literature cited by the submitters: PubMed 23824674.